The following is an entry in ClinVar:

NM_005560.6(LAMA5):c.6246C>G (p.His2082Gln)

Gene: LAMA5 (laminin subunit alpha 5; minus strand). Cytogenetic location: 20q13.33.
Variant type: single nucleotide variant.
Coding change: c.6246C>G on transcript NM_005560.6 (MANE Select); coding-DNA position 6246, C replaced by G.
Protein change: p.His2082Gln; replaces histidine 2082 with glutamine.
Molecular consequence: missense variant.
Genome position (GRCh38, 1-based): chr20:62,322,369, G>C on the plus strand (C>G on the coding strand, the complement: LAMA5 is on the minus strand). VCF-style: chr20-62322369-G-C. GRCh37 (hg19) VCF-style: chr20-60897425-G-C.
Other names: c.6246C>G (NM_005560.4); short protein forms H2082Q.
Identifiers: ClinVar variation 3117536 (VCV003117536.2), dbSNP rs756960955, ClinGen allele CA9941832.

ClinVar aggregate classification (germline): Uncertain significance. Review status: criteria provided, multiple submitters, no conflicts (2 of 4 stars). 2 submissions from 2 submitters: Uncertain significance (2). Last evaluated 2024-12-30.

Conditions:
Inborn genetic diseases. Identifiers: MedGen C0950123, MeSH D030342.
LAMA5-related disorder. Also called: LAMA5-related condition; LAMA5-Related Disorders.

gnomAD v4.1: 3 of 1,592,096 alleles (0.00019%); highest among the groups gnomAD compares: African/African-American, 0.0013%; no homozygotes.

Submissions (2):

PreventionGenetics, part of Exact Sciences
Classification: Uncertain significance for LAMA5-related condition. Last evaluated: 2024-12-30. Review status: criteria provided, single submitter. Criteria: ACMG Guidelines, 2015. Collection method: clinical testing. Allele origin: germline.
Comment: The LAMA5 c.6246C>G variant is predicted to result in the amino acid substitution p.His2082Gln. To our knowledge, this variant has not been reported in the literature or in a large database gnomAD. At this time, the clinical significance of this variant is uncertain due to the absence of conclusive functional and genetic evidence.

Ambry Genetics
Classification: Uncertain significance for Inborn genetic diseases. Last evaluated: 2023-09-20. Review status: criteria provided, single submitter. Criteria: Ambry Variant Classification Scheme 2023. Collection method: clinical testing. Allele origin: germline.